The following is an entry in ClinVar:

NM_033109.5(PNPT1):c.1033A>G (p.Lys345Glu)

Gene: PNPT1 (polyribonucleotide nucleotidyltransferase 1; minus strand). Cytogenetic location: 2p16.1.
Variant type: single nucleotide variant.
Coding change: c.1033A>G on transcript NM_033109.5 (MANE Select); coding-DNA position 1033, A replaced by G.
Protein change: p.Lys345Glu; replaces lysine 345 with glutamic acid.
Molecular consequence: missense variant.
Genome position (GRCh38, 1-based): chr2:55,667,902, T>C on the plus strand (A>G on the coding strand, the complement: PNPT1 is on the minus strand). VCF-style: chr2-55667902-T-C. GRCh37 (hg19) VCF-style: chr2-55895037-T-C.
Other names: short protein forms K345E.
Identifiers: ClinVar variation 1418775 (VCV001418775.3), dbSNP rs1384673806, ClinGen allele CA346929173.
Genomic context (GRCh38, chr2:55,667,902, plus strand): 5'-ACAAAAAAGGGTATGTTTACCTTTTGTATTCATTCAAAACAATACTTCTAAAAACTTCCT[T>C]TGCAACAACATTGAAGGATTCTATTATTTCATATGGATCGGCTTCTGGAAATTTTTCTAT-3'
Protein context (NP_149100.2, residues 335-355): EIIESFNVVA[Lys345Glu]EVFRSIVLNE

ClinVar aggregate classification (germline): Uncertain significance (1 of 4 stars; one submission).

Allele frequency attached by ClinVar (database versions not stated): TOPMed below 0.00001; gnomAD 0.00001.
gnomAD v4.1: 1 of 1,584,612 alleles (0.000063%); highest among the groups gnomAD compares: Non-Finnish European, 0.000085%; no homozygotes.

Submission:

Labcorp Genetics (formerly Invitae), Labcorp
Classification: Uncertain significance. Last evaluated: 2021-10-02. Review status: criteria provided, single submitter. Criteria: Invitae Variant Classification Sherloc (09022015). Collection method: clinical testing. Allele origin: germline.
Comment: This sequence change replaces lysine with glutamic acid at codon 345 of the PNPT1 protein (p.Lys345Glu). The lysine residue is highly conserved and there is a small physicochemical difference between lysine and glutamic acid. This variant is not present in population databases (ExAC no frequency). This variant has not been reported in the literature in individuals affected with PNPT1-related conditions. Advanced modeling of protein sequence and biophysical properties (such as structural, functional, and spatial information, amino acid conservation, physicochemical variation, residue mobility, and thermodynamic stability) performed at Invitae indicates that this missense variant is expected to disrupt PNPT1 protein function. Algorithms developed to predict the effect of sequence changes on RNA splicing suggest that this variant may create or strengthen a splice site. In summary, the available evidence is currently insufficient to determine the role of this variant in disease. Therefore, it has been classified as a Variant of Uncertain Significance.